The following is an entry in ClinVar:

ClinVar aggregate classification (germline): Uncertain significance. Review status: criteria provided, multiple submitters, no conflicts (2 of 4 stars). 2 submissions from 2 submitters: Uncertain significance (2). Last evaluated 2024-11-05.

Conditions:
Cardiomyopathy (CMYO). Also called: Cardiomyopathies. Identifiers: Orphanet 167848, MedGen C0878544, MONDO:0004994, HP:0001638. Inheritance: Various modes of inheritance.

Submissions (2):

GeneDx
Classification: Uncertain significance. Last evaluated: 2024-11-05. Review status: criteria provided, single submitter. Criteria: GeneDx Variant Classification Process June 2021. Collection method: clinical testing. Allele origin: germline. Affected: yes.
Comment: Not observed at significant frequency in large population cohorts (gnomAD); In silico analysis indicates that this missense variant does not alter protein structure/function; Has not been previously published as pathogenic or benign to our knowledge

Color Diagnostics, LLC DBA Color Health
Classification: Uncertain significance for Cardiomyopathy. Last evaluated: 2023-10-30. Review status: criteria provided, single submitter. Criteria: ACMG Guidelines, 2015. Collection method: clinical testing. Allele origin: germline.
Comment: This missense variant replaces cysteine with serine at codon 2497 of the DSP protein. Computational prediction suggests that this variant may not impact protein structure and function (internally defined REVEL score threshold <= 0.5, PMID: 27666373). To our knowledge, functional studies have not been reported for this variant. This variant has not been reported in individuals affected with DSP-related disorders in the literature. This variant has not been identified in the general population by the Genome Aggregation Database (gnomAD). The available evidence is insufficient to determine the role of this variant in disease conclusively. Therefore, this variant is classified as a Variant of Uncertain Significance.

NM_004415.4(DSP):c.7489T>A (p.Cys2497Ser)

Gene: DSP (desmoplakin; plus strand). Cytogenetic location: 6p24.3.
Variant type: single nucleotide variant.
Coding change: c.7489T>A on transcript NM_004415.4 (MANE Select); coding-DNA position 7489, T replaced by A.
Protein change: p.Cys2497Ser; replaces cysteine 2497 with serine.
Molecular consequence: missense variant.
Genome position (GRCh38, 1-based): chr6:7,584,751, T>A. VCF-style: chr6-7584751-T-A. GRCh37 (hg19) VCF-style: chr6-7584984-T-A.
Other names: c.5692T>A, p.Cys1898Ser (NM_001008844.3); c.6160T>A, p.Cys2054Ser (NM_001319034.2); short protein forms C1898S, C2497S, C2054S.
Identifiers: ClinVar variation 2775363 (VCV002775363.3), dbSNP rs1759572862, ClinGen allele CA362693123.
Genomic context (GRCh38, chr6:7,584,751, plus strand): 5'-ATGTCTGTTCAGGAGGCCTACAAGAAGGGCCTAATTGATTATGAAACCTTCAAAGAACTG[T>A]GTGAGCAGGAATGTGAATGGGAAGAAATAACCATCACGGGATCAGATGGCTCCACCAGGG-3'
Protein context (NP_004406.2, residues 2487-2507): LIDYETFKEL[Cys2497Ser]EQECEWEEIT